The following is an entry in ClinVar:

ClinVar aggregate classification (germline): Uncertain significance (1 of 4 stars; one submission).

Conditions:
Short-rib thoracic dysplasia 6 with or without polydactyly (SRTD6). Also called: POLYDACTYLY WITH NEONATAL CHONDRODYSTROPHY, TYPE II; Majewski Syndrome; SHORT RIB-POLYDACTYLY SYNDROME, TYPE IIA; SHORT-RIB THORACIC DYSPLASIA 6 WITH POLYDACTYLY; SHORT-RIB THORACIC DYSPLASIA 6 WITHOUT POLYDACTYLY. Identifiers: MedGen C0024507, MONDO:0009894, OMIM 263520.

Submission:

Labcorp Genetics (formerly Invitae), Labcorp
Classification: Uncertain significance for Short-rib thoracic dysplasia 6 with or without polydactyly. Last evaluated: 2026-02-03. Review status: criteria provided, single submitter. Criteria: Invitae Variant Classification Sherloc (09022015). Collection method: clinical testing. Allele origin: germline.
Comment: This sequence change replaces serine, which is neutral and polar, with tryptophan, which is neutral and slightly polar, at codon 281 of the NEK1 protein (p.Ser281Trp). This variant is not present in population databases (gnomAD no frequency). This variant has not been reported in the literature in individuals affected with NEK1-related conditions. Invitae Evidence Modeling of protein sequence and biophysical properties (such as structural, functional, and spatial information, amino acid conservation, physicochemical variation, residue mobility, and thermodynamic stability) indicates that this missense variant is not expected to disrupt NEK1 protein function with a negative predictive value of 95%. In summary, the available evidence is currently insufficient to determine the role of this variant in disease. Therefore, it has been classified as a Variant of Uncertain Significance.

NM_001199397.3(NEK1):c.842C>G (p.Ser281Trp)

Gene: NEK1 (NIMA related kinase 1; minus strand). Cytogenetic location: 4q33.
Variant type: single nucleotide variant.
Coding change: c.842C>G on transcript NM_001199397.3 (MANE Select); coding-DNA position 842, C replaced by G.
Protein change: p.Ser281Trp; replaces serine 281 with tryptophan.
Molecular consequence: missense variant. On other transcripts: non-coding transcript variant (2).
Genome position (GRCh38, 1-based): chr4:169,580,868, G>C on the plus strand (C>G on the coding strand, the complement: NEK1 is on the minus strand). VCF-style: chr4-169580868-G-C. GRCh37 (hg19) VCF-style: chr4-170502019-G-C.
Other names: c.842C>G, p.Ser281Trp (NM_001199399.3, NM_001199400.3, NM_001374418.1 and 11 more transcripts); c.221C>G, p.Ser74Trp (NM_001440624.1, NM_001440625.1); short protein forms S74W, S281W.
Identifiers: ClinVar variation 4715847 (VCV004715847.1).
Genomic context (GRCh38, chr4:169,580,868, plus strand): 5'-ACAGATGAAAGGCTTCATATCAGATTTCATTTACCTGGTATAGGCTGTGATCCAAACTTC[G>C]AAAATGTTTTTAGACAAAATTCTTCTGCAATAAGCTGAGATTGAAAGAGAAAAAAATTAG-3'
Protein context (NP_001186326.1, residues 271-291): IAEEFCLKTF[Ser281Trp]KFGSQPIPAK